The following is an entry in ClinVar:

ClinVar aggregate classification (germline): Likely pathogenic. Review status: criteria provided, multiple submitters, no conflicts (2 of 4 stars). 2 submissions from 2 submitters: Likely pathogenic (2). Last evaluated 2022-11-10.

Conditions:
Inborn genetic diseases. Identifiers: MedGen C0950123, MeSH D030342.

Submissions (2):

GeneDx
Classification: Likely pathogenic. Last evaluated: 2022-11-10. Review status: criteria provided, single submitter. Criteria: GeneDx Variant Classification Process June 2021. Collection method: clinical testing. Allele origin: germline. Affected: yes.
Comment: Not observed at significant frequency in large population cohorts (gnomAD); In silico analysis supports that this missense variant has a deleterious effect on protein structure/function; Has not been previously published as pathogenic or benign to our knowledge; This variant is associated with the following publications: (PMID: 26986877)

Ambry Genetics
Classification: Likely pathogenic for Inborn genetic diseases. Last evaluated: 2021-02-11. Review status: criteria provided, single submitter. Criteria: Ambry Variant Classification Scheme 2023. Collection method: clinical testing. Allele origin: germline.
Comment: The c.365G>A (p.C122Y) alteration is located in exon 1 (coding exon 1) of the NR2F1 gene. This alteration results from a G to A substitution at nucleotide position 365, causing the cysteine (C) at amino acid position 122 to be replaced by a tyrosine (Y). Based on data from the Genome Aggregation Database (gnomAD), the NR2F1 c.365G>A alteration was not observed, with coverage at this position. A missense change affecting the same amino acid, p.C122S, was reported in a patient with Bosch-Boonstra-Schaaf optic atrophy syndrome (Rech, 2020). The p.C122 amino acid is conserved in available vertebrate species. The p.C122Y alteration is located in the second C4-type Zn-finger structural domain of the DNA binding domain of NR2F1. Based on internal structural analysis, this alteration results in loss of a structurally critical Zn-binding motif in the Zn-finger domain 2 of the DNA binding domain. The p.C122Y alteration is predicted to be deleterious by in silico analysis. Based on the available evidence, this alteration is classified as likely pathogenic.

Literature cited by the submitters: PubMed 32275123 (cited by Ambry Genetics).

NM_005654.6(NR2F1):c.365G>A (p.Cys122Tyr)

Genes: NR2F1 (nuclear receptor subfamily 2 group F member 1; plus strand), NR2F1-AS1 (NR2F1 regulatory antisense RNA 1; minus strand). Cytogenetic location: 5q15.
Variant type: single nucleotide variant.
Coding change: c.365G>A on transcript NM_005654.6 (MANE Select); coding-DNA position 365, G replaced by A.
Protein change: p.Cys122Tyr; replaces cysteine 122 with tyrosine.
Molecular consequence: missense variant.
Genome position (GRCh38, 1-based): chr5:93,585,388, G>A. VCF-style: chr5-93585388-G-A. GRCh37 (hg19) VCF-style: chr5-92921094-G-A.
Other names: short protein forms C122Y.
Identifiers: ClinVar variation 2229340 (VCV002229340.3), dbSNP rs1057522318, ClinGen allele CA360526118.